The following is an entry in ClinVar:

ClinVar aggregate classification (germline): Uncertain significance. Review status: criteria provided, single submitter (1 of 4 stars). 2 submissions from 2 submitters: Uncertain significance (1). 1 of the submissions does not count toward it. Last evaluated 2022-12-14.

Conditions:
PALLD-related disorder. Also called: PALLD-related condition.

Allele frequency attached by ClinVar (database versions not stated): gnomAD exomes 0.00001; ExAC 0.00002; gnomAD 0.00003; TOPMed 0.00003.
gnomAD v4.1: 22 of 1,612,218 alleles (0.0014%); highest among the groups gnomAD compares: African/African-American, 0.0027%; no homozygotes.

Submissions (2):

Ambry Genetics
Classification: Uncertain significance. Last evaluated: 2022-12-14. Review status: criteria provided, single submitter. Criteria: Ambry Variant Classification Scheme 2023. Collection method: clinical testing. Allele origin: germline.
Comment: The p.G351S variant (also known as c.1051G>A), located in coding exon 2 of the PALLD gene, results from a G to A substitution at nucleotide position 1051. The glycine at codon 351 is replaced by serine, an amino acid with similar properties. This amino acid position is conserved. In addition, this alteration is predicted to be deleterious by in silico analysis. Since supporting evidence is limited at this time, the clinical significance of this alteration remains unclear.

PreventionGenetics, part of Exact Sciences
Classification: Uncertain significance for PALLD-related condition. Last evaluated: 2023-10-31. Review status: no assertion criteria provided. Collection method: clinical testing. Allele origin: germline. Not counted in ClinVar's aggregate classification.
Comment: The PALLD c.1051G>A variant is predicted to result in the amino acid substitution p.Gly351Ser. To our knowledge, this variant has not been reported in the literature. This variant is reported in 0.0033% of alleles in individuals of South Asian descent in gnomAD and is interpreted as uncertain in ClinVar. At this time, the clinical significance of this variant is uncertain due to the absence of conclusive functional and genetic evidence.

NM_001166108.2(PALLD):c.1051G>A (p.Gly351Ser)

Gene: PALLD (palladin, cytoskeletal associated protein; plus strand). Cytogenetic location: 4q32.3.
Variant type: single nucleotide variant.
Coding change: c.1051G>A on transcript NM_001166108.2 (MANE Select); coding-DNA position 1051, G replaced by A.
Protein change: p.Gly351Ser; replaces glycine 351 with serine.
Molecular consequence: missense variant. On other transcripts: 5 prime UTR variant (1).
Genome position (GRCh38, 1-based): chr4:168,668,332, G>A. VCF-style: chr4-168668332-G-A. GRCh37 (hg19) VCF-style: chr4-169589483-G-A.
Other names: c.-96G>A (NM_001166109.2); c.1051G>A, p.Gly351Ser (NM_016081.4); short protein forms G351S.
Identifiers: ClinVar variation 2447345 (VCV002447345.4), dbSNP rs778911643, ClinGen allele CA3135498.